The following is an entry in ClinVar:

NM_004990.4(MARS1):c.2321C>T (p.Pro774Leu)

Gene: MARS1 (methionyl-tRNA synthetase 1; plus strand). Cytogenetic location: 12q13.3.
Variant type: single nucleotide variant.
Coding change: c.2321C>T on transcript NM_004990.4 (MANE Select); coding-DNA position 2321, C replaced by T.
Protein change: p.Pro774Leu; replaces proline 774 with leucine.
Molecular consequence: missense variant.
Genome position (GRCh38, 1-based): chr12:57,515,266, C>T. VCF-style: chr12-57515266-C-T. GRCh37 (hg19) VCF-style: chr12-57909049-C-T.
Other names: short protein forms P774L.
Identifiers: ClinVar variation 3907523 (VCV003907523.1).

ClinVar aggregate classification (germline): Uncertain significance (1 of 4 stars; one submission).

Submission:

Women's Health and Genetics/Laboratory Corporation of America, LabCorp
Classification: Uncertain significance. Last evaluated: 2025-06-26. Review status: criteria provided, single submitter. Criteria: LabCorp Variant Classification Summary - May 2015. Collection method: clinical testing. Allele origin: germline.
Comment: Variant summary: MARS1 c.2321C>T (p.Pro774Leu) results in a non-conservative amino acid change in the encoded protein sequence. Algorithms developed to predict the effect of missense changes on protein structure and function are either unavailable or do not agree on the potential impact of this missense change. The variant was absent in 251292 control chromosomes. The available data on variant occurrences in the general population are insufficient to allow any conclusion about variant significance. To our knowledge, no occurrence of c.2321C>T in individuals affected with Severe early-onset pulmonary alveolar proteinosis due to MARS deficiency and no experimental evidence demonstrating its impact on protein function have been reported. No submitters have cited clinical-significance assessments for this variant to ClinVar. Based on the evidence outlined above, the variant was classified as uncertain significance.